The following is an entry in ClinVar:

ClinVar aggregate classification (germline): Pathogenic (1 of 4 stars; one submission).

Conditions:
Autosomal recessive titinopathy. Identifiers: MedGen CN315649, MONDO:0100493.

Submission:

Myofin, Folkhalsan Research Center
Classification: Pathogenic for Autosomal recessive titinopathy. Last evaluated: 2026-02-06. Review status: criteria provided, single submitter. Criteria: ACMG Guidelines, 2015. Collection method: research. Allele origin: germline. Affected: yes.
Comment: TTN loss-of-function is an established mechanism for autosomal recessive titinopathies. ACMG/AMP criteria applied: PVS1 (predicted loss of function), PM2_Supporting (absent/rare in population databases), and PP4_Supporting (highly consistent clinical phenotype). Overall classification: Pathogenic for recessive titinopathy.

Literature cited by the submitters: DOI 10.1101/2025.07.17.25331125.

NM_001267550.2(TTN):c.37246del (p.Ser12416fs)

Gene: TTN (titin; minus strand). Cytogenetic location: 2q31.2.
Variant type: Deletion.
Coding change: c.37246del on transcript NM_001267550.2 (MANE Select); coding-DNA position 37246, one base deleted (T; older notation c.37246delT).
Protein change: p.Ser12416fs; shifts the reading frame from serine 12416.
Molecular consequence: frameshift variant. On other transcripts: intron variant (5).
Genome position (GRCh38, 1-based): chr2:178,661,798, A deleted on the plus strand (T on the coding strand, the reverse complement: TTN is on the minus strand). VCF-style (leftmost placement, unchanged base first): chr2-178661797-GA-G. GRCh37 (hg19) VCF-style: chr2-179526524-GA-G.
Other names: c.13283-19481del (NM_003319.4); c.13859-19481del (NM_133437.4); c.13658-19481del (NM_133432.3); c.31573+1168del (NM_133378.4); c.34354+1168del (NM_001256850.1); short protein forms S12416fs.
Identifiers: ClinVar variation 4795227 (VCV004795227.1).
Genomic context (GRCh38, chr2:178,661,797, plus strand): 5'-GCCTAAAATCAGTGACAAATACCTTTAACAGGTGGGACTTCAGGCTTTTTAGGAGGAGCC[GA>G]GGGCACTTTCTTTTCAAGGACAACTTCTTTGGGAGCCTCTGGCACTTAAAAGATATTAGT-3'